The following is an entry in ClinVar:

NM_000026.4(ADSL):c.1393G>C (p.Val465Leu)

Gene: ADSL (adenylosuccinate lyase; plus strand). Cytogenetic location: 22q13.1.
Variant type: single nucleotide variant.
Coding change: c.1393G>C on transcript NM_000026.4 (MANE Select); coding-DNA position 1393, G replaced by C.
Protein change: p.Val465Leu; replaces valine 465 with leucine.
Molecular consequence: missense variant. On other transcripts: non-coding transcript variant (1).
Genome position (GRCh38, 1-based): chr22:40,366,460, G>C. VCF-style: chr22-40366460-G-C. GRCh37 (hg19) VCF-style: chr22-40762464-G-C.
Other names: c.1216G>C, p.Val406Leu (NM_001123378.3); c.1201G>C, p.Val401Leu (NM_001317923.2); c.1393G>C, p.Val465Leu (NM_001363840.3); short protein forms V465L, V401L, V406L.
Identifiers: ClinVar variation 625884 (VCV000625884.2), dbSNP rs1569104977, ClinGen allele CA411649151.
Genomic context (GRCh38, chr22:40,366,460, plus strand): 5'-ATTTTCTTTTGTCTTGTATTTGCTTTCCTCTGGCAGGTGCAGAGATTCTTAGAAGAGGAG[G>C]TGTATCCCCTGTTAAAACCATATGAAAGCGTGATGAAGGTGAAAGCAGAATTATGTCTGT-3'
Protein context (NP_000017.1, residues 455-475): QQVQRFLEEE[Val465Leu]YPLLKPYESV

ClinVar aggregate classification (germline): Uncertain significance (1 of 4 stars; one submission).

Conditions:
Adenylosuccinate lyase deficiency (ADSLD). Also called: ADSL DEFICIENCY. Identifiers: Orphanet 46, MedGen C0268126, MONDO:0007068, OMIM 103050.

Submission:

Center for Genomics, Ann and Robert H. Lurie Children's Hospital of Chicago
Classification: Uncertain significance for Adenylosuccinate lyase deficiency. Last evaluated: 2021-03-30. Review status: criteria provided, single submitter. Criteria: ACMG Guidelines, 2015. Collection method: clinical testing. Allele origin: germline.
Comment: ADSL NM_000026.3 exon 13 p.Val465Leu (c.1393G>C): This variant has not been reported in the literature and is not present in large control databases. Evolutionary conservation and computational predictive tools for this variant are unclear. In summary, data on this variant is insufficient for disease classification. Therefore, the clinical significance of this variant is uncertain.